The following is an entry in ClinVar:

NM_001018115.3(FANCD2):c.2221G>A (p.Val741Met)

Genes: FANCD2 (FA complementation group D2; plus strand), LOC107303338 (3p25 FANCD2 Alu-mediated recombination region; plus strand). Cytogenetic location: 3p25.3.
Variant type: single nucleotide variant.
Coding change: c.2221G>A on transcript NM_001018115.3 (MANE Select); coding-DNA position 2221, G replaced by A.
Protein change: p.Val741Met; replaces valine 741 with methionine.
Molecular consequence: missense variant.
Genome position (GRCh38, 1-based): chr3:10,065,446, G>A. VCF-style: chr3-10065446-G-A. GRCh37 (hg19) VCF-style: chr3-10107130-G-A.
Other names: c.2221G>A, p.Val741Met (NM_001319984.2, NM_001374254.1, NM_033084.6); c.2110G>A, p.Val704Met (NM_001374253.1); short protein forms V741M, V704M.
Identifiers: ClinVar variation 1922055 (VCV001922055.5), dbSNP rs535093515, ClinGen allele CA351734685.

ClinVar aggregate classification (germline): Uncertain significance (1 of 4 stars; one submission).

Conditions:
Fanconi anemia (FA). Also called: Fanconi's anemia. Identifiers: Orphanet 84, MedGen C0015625, MeSH D005199, MONDO:0019391.

gnomAD v4.1: 2 of 1,614,010 alleles (0.00012%); highest among the groups gnomAD compares: South Asian, 0.0022%; no homozygotes.

Submission:

Labcorp Genetics (formerly Invitae), Labcorp
Classification: Uncertain significance for Fanconi anemia. Last evaluated: 2022-04-16. Review status: criteria provided, single submitter. Criteria: Invitae Variant Classification Sherloc (09022015). Collection method: clinical testing. Allele origin: germline.
Comment: This sequence change replaces valine, which is neutral and non-polar, with methionine, which is neutral and non-polar, at codon 741 of the FANCD2 protein (p.Val741Met). This variant is not present in population databases (gnomAD no frequency). In summary, the available evidence is currently insufficient to determine the role of this variant in disease. Therefore, it has been classified as a Variant of Uncertain Significance. Algorithms developed to predict the effect of missense changes on protein structure and function output the following: SIFT: "Tolerated"; PolyPhen-2: "Benign"; Align-GVGD: "Class C0". The methionine amino acid residue is found in multiple mammalian species, which suggests that this missense change does not adversely affect protein function. This variant has not been reported in the literature in individuals affected with FANCD2-related conditions.